The following is an entry in ClinVar:

ClinVar aggregate classification (germline): Pathogenic. Review status: criteria provided, multiple submitters, no conflicts (2 of 4 stars). 2 submissions from 2 submitters: Pathogenic (2). Last evaluated 2021-09-05.

Conditions:
Deficiency of alpha-mannosidase (MANSA). Also called: LYSOSOMAL ALPHA-D-MANNOSIDASE DEFICIENCY; Alpha-Mannosidosis; Mannosidosis, alpha-, types I and II. Identifiers: Orphanet 61, MedGen C0024748, MONDO:0009561, OMIM 248500.

Submissions (2):

Genome-Nilou Lab
Classification: Pathogenic for Deficiency of alpha-mannosidase. Last evaluated: 2021-09-05. Review status: criteria provided, single submitter. Criteria: ACMG Guidelines, 2015. Collection method: clinical testing. Allele origin: germline. Affected: no.

Labcorp Genetics (formerly Invitae), Labcorp
Classification: Pathogenic for Deficiency of alpha-mannosidase. Last evaluated: 2019-05-16. Review status: criteria provided, single submitter. Criteria: Invitae Variant Classification Sherloc (09022015). Collection method: clinical testing. Allele origin: germline.
Comment: For these reasons, this variant has been classified as Pathogenic. Loss-of-function variants in MAN2B1 are known to be pathogenic (PMID: 9915946, 22161967). This variant has not been reported in the literature in individuals with MAN2B1-related conditions. This variant is not present in population databases (ExAC no frequency). This sequence change creates a premature translational stop signal (p.Phe408Serfs*69) in the MAN2B1 gene. It is expected to result in an absent or disrupted protein product.

Literature cited by the submitters: PubMed 9915946 (cited by Labcorp Genetics (formerly Invitae), Labcorp); PubMed 22161967 (cited by Labcorp Genetics (formerly Invitae), Labcorp).

NM_000528.4(MAN2B1):c.1223del (p.Phe408fs)

Gene: MAN2B1 (mannosidase alpha class 2B member 1; minus strand). Cytogenetic location: 19p13.13.
Variant type: Deletion.
Coding change: c.1223del on transcript NM_000528.4 (MANE Select); coding-DNA position 1223, one base deleted (T; older notation c.1223delT).
Protein change: p.Phe408fs; shifts the reading frame from phenylalanine 408.
Molecular consequence: frameshift variant.
Genome position (GRCh38, 1-based): chr19:12,658,231, A deleted on the plus strand (T on the coding strand, the reverse complement: MAN2B1 is on the minus strand); the first of 2 consecutive A bases (chr19:12,658,231-12,658,232); deleting either gives the same sequence. VCF-style (leftmost placement, unchanged base first): chr19-12658230-GA-G. GRCh37 (hg19) VCF-style: chr19-12769044-GA-G.
Other names: c.1220del, p.Phe407fs (NM_001173498.2); short protein forms F407fs, F408fs.
Identifiers: ClinVar variation 950911 (VCV000950911.9), dbSNP rs2024020274, ClinGen allele CA1139666296.